The following is an entry in ClinVar:

NM_006767.4(LZTR1):c.184G>A (p.Glu62Lys)

Gene: LZTR1 (leucine zipper like post translational regulator 1; plus strand). Cytogenetic location: 22q11.21.
Variant type: single nucleotide variant.
Coding change: c.184G>A on transcript NM_006767.4 (MANE Select); coding-DNA position 184, G replaced by A.
Protein change: p.Glu62Lys; replaces glutamic acid 62 with lysine.
Molecular consequence: missense variant.
Genome position (GRCh38, 1-based): chr22:20,982,555, G>A. VCF-style: chr22-20982555-G-A. GRCh37 (hg19) VCF-style: chr22-21336844-G-A.
Other names: short protein forms E62K.
Identifiers: ClinVar variation 835137 (VCV000835137.9), dbSNP rs1924234322, ClinGen allele CA410778136.

ClinVar aggregate classification (germline): Uncertain significance (1 of 4 stars; one submission).

Submission:

Labcorp Genetics (formerly Invitae), Labcorp
Classification: Uncertain significance. Last evaluated: 2019-11-25. Review status: criteria provided, single submitter. Criteria: Invitae Variant Classification Sherloc (09022015). Collection method: clinical testing. Allele origin: germline.
Comment: This sequence change replaces glutamic acid with lysine at codon 62 of the LZTR1 protein (p.Glu62Lys). The glutamic acid residue is highly conserved and there is a small physicochemical difference between glutamic acid and lysine. This variant is not present in population databases (ExAC no frequency). This variant has not been reported in the literature in individuals with LZTR1-related conditions. Algorithms developed to predict the effect of missense changes on protein structure and function are either unavailable or do not agree on the potential impact of this missense change (SIFT: "Deleterious"; PolyPhen-2: "Benign"; Align-GVGD: "Class C0"). In summary, the available evidence is currently insufficient to determine the role of this variant in disease. Therefore, it has been classified as a Variant of Uncertain Significance.